The following is an entry in ClinVar:

NM_003482.4(KMT2D):c.6180C>T (p.Tyr2060=)

Gene: KMT2D (lysine methyltransferase 2D; minus strand). Cytogenetic location: 12q13.12.
Variant type: single nucleotide variant.
Coding change: c.6180C>T on transcript NM_003482.4 (MANE Select); coding-DNA position 6180, C replaced by T.
Protein change: p.Tyr2060=; no amino-acid change (tyrosine 2060 retained).
Molecular consequence: synonymous variant.
Genome position (GRCh38, 1-based): chr12:49,041,920, G>A on the plus strand (C>T on the coding strand, the complement: KMT2D is on the minus strand). VCF-style: chr12-49041920-G-A. GRCh37 (hg19) VCF-style: chr12-49435703-G-A.
Identifiers: ClinVar variation 196174 (VCV000196174.48), dbSNP rs186577948, ClinGen allele CA202179.
Genomic context (GRCh38, chr12:49,041,920, plus strand): 5'-AAAGATCCCTCCCTCCCTCTCAGTTCCCACGCTAATCCATGCTCCTTTCTGCCTCACCAG[G>A]TAGGGGGCTTTGTCAGCTGCTGGAACCTTTCTCCAGAGCTTCATGATTTGTTTGCAACGG-3'
Protein context (NP_003473.3, residues 2050-2070): RKVPAADKAP[Tyr2060=]LQKAKDNRAA

ClinVar aggregate classification (germline): Benign/Likely benign. Review status: criteria provided, multiple submitters, no conflicts (2 of 4 stars). 8 submissions from 8 submitters: Benign (5); Likely benign (2). 1 of the submissions does not count toward it. Last evaluated 2026-01-28.

Conditions:
KMT2D-related disorder. Also called: KMT2D-Related Disorders.
Kabuki syndrome. Also called: Kabuki make-up syndrome; NIIKAWA-KUROKI SYNDROME. Identifiers: Orphanet 2322, MedGen C0796004, MONDO:0016512.
Kabuki syndrome 1 (KABUK1). Also called: KMT2D-Related Kabuki Syndrome. Identifiers: Orphanet 2322, MedGen CN030661, MONDO:0007843, OMIM 147920.

Allele frequency attached by ClinVar (database versions not stated): gnomAD exomes 0.00025 and 0.00067; ExAC 0.00136; 1000 Genomes Project 0.00180; 1000 Genomes Project 30x 0.00203; ESP Exome Variant Server 0.00203; gnomAD 0.00296 and 0.00315; TOPMed 0.00326.
gnomAD v4.1: 838 of 1,604,854 alleles (0.052%); highest among the groups gnomAD compares: African/African-American, 0.93%; 8 homozygotes.

Submissions (8):

Labcorp Genetics (formerly Invitae), Labcorp
Classification: Benign for Kabuki syndrome. Last evaluated: 2026-01-28. Review status: criteria provided, single submitter. Criteria: Invitae Variant Classification Sherloc (09022015). Collection method: clinical testing. Allele origin: germline.

Blueprint Genetics
Classification: Likely benign. Last evaluated: 2024-09-02. Review status: criteria provided, single submitter. Criteria: ACMG Guidelines, 2015. Collection method: clinical testing. Allele origin: germline.

Athena Diagnostics
Classification: Benign. Last evaluated: 2024-02-20. Review status: criteria provided, single submitter. Criteria: Athena Diagnostics Criteria. Collection method: clinical testing. Allele origin: unknown.

CeGaT Center for Human Genetics Tuebingen
Classification: Benign. Last evaluated: 2022-06-01. Review status: criteria provided, single submitter. Criteria: CeGaT Center For Human Genetics Tuebingen Variant Classification Criteria Version 2. Collection method: clinical testing. Allele origin: germline. Affected: yes. Observed: 1 variant allele.
Comment: KMT2D: BS1, BS2

Fulgent Genetics
Classification: Likely benign for Kabuki syndrome 1. Last evaluated: 2022-01-13. Review status: criteria provided, single submitter. Criteria: ACMG Guidelines, 2015. Collection method: clinical testing. Allele origin: unknown.

GeneDx
Classification: Benign. Last evaluated: 2020-11-10. Review status: criteria provided, single submitter. Criteria: GeneDx Variant Classification Process June 2021. Collection method: clinical testing. Allele origin: germline. Affected: yes.

Eurofins Ntd Llc (ga)
Classification: Benign. Last evaluated: 2015-05-06. Review status: criteria provided, single submitter. Criteria: EGL Classification Definitions 2015. Collection method: clinical testing. Allele origin: germline. Observed: 2 variant alleles, 2 heterozygotes.

PreventionGenetics, part of Exact Sciences
Classification: Benign for KMT2D-related condition. Last evaluated: 2022-10-10. Review status: no assertion criteria provided. Collection method: clinical testing. Allele origin: germline. Not counted in ClinVar's aggregate classification.
Comment: This variant is classified as benign based on ACMG/AMP sequence variant interpretation guidelines (Richards et al. 2015 PMID: 25741868, with internal and published modifications).